The following is an entry in ClinVar:

ClinVar aggregate classification (germline): Uncertain significance (1 of 4 stars; one submission).

gnomAD v4.1: 1 of 1,613,994 alleles (0.000062%); highest among the groups gnomAD compares: East Asian, 0.0022%; no homozygotes.

Submission:

Labcorp Genetics (formerly Invitae), Labcorp
Classification: Uncertain significance. Last evaluated: 2025-04-23. Review status: criteria provided, single submitter. Criteria: Invitae Variant Classification Sherloc (09022015). Collection method: clinical testing. Allele origin: germline.
Comment: This sequence change replaces isoleucine, which is neutral and non-polar, with valine, which is neutral and non-polar, at codon 334 of the NACC1 protein (p.Ile334Val). This variant is not present in population databases (gnomAD no frequency). This variant has not been reported in the literature in individuals affected with NACC1-related conditions. ClinVar contains an entry for this variant (Variation ID: 1716917). Invitae Evidence Modeling of protein sequence and biophysical properties (such as structural, functional, and spatial information, amino acid conservation, physicochemical variation, residue mobility, and thermodynamic stability) indicates that this missense variant is not expected to disrupt NACC1 protein function with a negative predictive value of 80%. In summary, the available evidence is currently insufficient to determine the role of this variant in disease. Therefore, it has been classified as a Variant of Uncertain Significance.

NM_052876.4(NACC1):c.1000A>G (p.Ile334Val)

Gene: NACC1 (nucleus accumbens associated 1; plus strand). Cytogenetic location: 19p13.13.
Variant type: single nucleotide variant.
Coding change: c.1000A>G on transcript NM_052876.4 (MANE Select); coding-DNA position 1000, A replaced by G.
Protein change: p.Ile334Val; replaces isoleucine 334 with valine.
Molecular consequence: missense variant.
Genome position (GRCh38, 1-based): chr19:13,136,285, A>G. VCF-style: chr19-13136285-A-G. GRCh37 (hg19) VCF-style: chr19-13247099-A-G.
Other names: short protein forms I334V.
Identifiers: ClinVar variation 1716917 (VCV001716917.5), dbSNP rs1330937800, ClinGen allele CA404327278.